The following is an entry in ClinVar:

NM_015559.3(SETBP1):c.3763C>T (p.Pro1255Ser)

Gene: SETBP1 (SET binding protein 1; plus strand). Cytogenetic location: 18q12.3.
Variant type: single nucleotide variant.
Coding change: c.3763C>T on transcript NM_015559.3 (MANE Select); coding-DNA position 3763, C replaced by T.
Protein change: p.Pro1255Ser; replaces proline 1255 with serine.
Molecular consequence: missense variant.
Genome position (GRCh38, 1-based): chr18:44,953,103, C>T. VCF-style: chr18-44953103-C-T. GRCh37 (hg19) VCF-style: chr18-42533068-C-T.
Other names: c.3763C>T, p.Pro1255Ser (NM_001379141.1, NM_001379142.1, NM_001410862.1); c.3763C>T (NM_015559.2); short protein forms P1255S.
Identifiers: ClinVar variation 2197158 (VCV002197158.5), dbSNP rs1386383075, ClinGen allele CA402325139.

ClinVar aggregate classification (germline): Conflicting classifications of pathogenicity. Review status: criteria provided, conflicting classifications (1 of 4 stars). 2 submissions from 2 submitters: Uncertain significance (1); Benign (1). Last evaluated 2025-10-21.

Conditions:
SETBP1-related disorder. Also called: SETBP1-related condition; SETBP1-related disorders.

Allele frequency attached by ClinVar (database versions not stated): gnomAD exomes below 0.00001; gnomAD 0.00001.
gnomAD v4.1: 3 of 1,614,014 alleles (0.00019%); highest among the groups gnomAD compares: Admixed American, 0.005%; no homozygotes.

Submissions (2):

Labcorp Genetics (formerly Invitae), Labcorp
Classification: Benign. Last evaluated: 2025-10-21. Review status: criteria provided, single submitter. Criteria: Invitae Variant Classification Sherloc (09022015). Collection method: clinical testing. Allele origin: germline.

PreventionGenetics, part of Exact Sciences
Classification: Uncertain significance for SETBP1-related condition. Last evaluated: 2023-03-31. Review status: criteria provided, single submitter. Criteria: ACMG Guidelines, 2015. Collection method: clinical testing. Allele origin: germline.
Comment: The SETBP1 c.3763C>T variant is predicted to result in the amino acid substitution p.Pro1255Ser. To our knowledge, this variant has not been reported in the literature. This variant is reported in 0.0029% of alleles in individuals of Latino descent in gnomAD. At this time, the clinical significance of this variant is uncertain due to the absence of conclusive functional and genetic evidence.